The following is an entry in ClinVar:

NM_012200.4(B3GAT3):c.481C>T (p.Arg161Trp)

Gene: B3GAT3 (beta-1,3-glucuronyltransferase 3; minus strand). Cytogenetic location: 11q12.3.
Variant type: single nucleotide variant.
Coding change: c.481C>T on transcript NM_012200.4 (MANE Select); coding-DNA position 481, C replaced by T.
Protein change: p.Arg161Trp; replaces arginine 161 with tryptophan.
Molecular consequence: missense variant. On other transcripts: non-coding transcript variant (1).
Genome position (GRCh38, 1-based): chr11:62,617,124, G>A on the plus strand (C>T on the coding strand, the complement: B3GAT3 is on the minus strand). VCF-style: chr11-62617124-G-A. GRCh37 (hg19) VCF-style: chr11-62384596-G-A.
Other names: c.460C>T, p.Arg154Trp (NM_001288721.2); c.481C>T, p.Arg161Trp (NM_001288722.2, NM_001288723.2); short protein forms R154W, R161W.
Identifiers: ClinVar variation 978466 (VCV000978466.4), dbSNP rs765246909, ClinGen allele CA6050104.

ClinVar aggregate classification (germline): Conflicting classifications of pathogenicity. Review status: criteria provided, conflicting classifications (1 of 4 stars). 3 submissions from 3 submitters: Pathogenic (1); Likely pathogenic (1); Uncertain significance (1). Last evaluated 2024-03-29.

Conditions:
Larsen-like syndrome, B3GAT3 type. Also called: MULTIPLE JOINT DISLOCATIONS, SHORT STATURE, AND CRANIOFACIAL DYSMORPHISM WITH OR WITHOUT CONGENITAL HEART DEFECTS; Multiple joint dislocations, short stature, craniofacial dysmorphism, with or without congenital heart defects. Identifiers: Orphanet 284139, MedGen CN034159, MONDO:0009511, OMIM 245600.

Allele frequency attached by ClinVar (database versions not stated): ExAC 0.00001; gnomAD exomes 0.00001; TOPMed 0.00001.
gnomAD v4.1: 9 of 1,613,878 alleles (0.00056%); highest among the groups gnomAD compares: East Asian, 0.0045%; no homozygotes.

Submissions (3):

Genomic Medicine Center of Excellence, King Faisal Specialist Hospital and Research Centre
Classification: Likely pathogenic for Larsen-like syndrome, B3GAT3 type. Last evaluated: 2024-03-29. Review status: criteria provided, single submitter. Criteria: ACMG Guidelines, 2015. Collection method: clinical testing. Allele origin: germline.

Labcorp Genetics (formerly Invitae), Labcorp
Classification: Uncertain significance for Larsen-like syndrome, B3GAT3 type. Last evaluated: 2023-08-02. Review status: criteria provided, single submitter. Criteria: Invitae Variant Classification Sherloc (09022015). Collection method: clinical testing. Allele origin: germline.
Comment: In summary, the available evidence is currently insufficient to determine the role of this variant in disease. Therefore, it has been classified as a Variant of Uncertain Significance. Advanced modeling of protein sequence and biophysical properties (such as structural, functional, and spatial information, amino acid conservation, physicochemical variation, residue mobility, and thermodynamic stability) performed at Invitae indicates that this missense variant is expected to disrupt B3GAT3 protein function. ClinVar contains an entry for this variant (Variation ID: 978466). This missense change has been observed in individual(s) with B3GAT3-related conditions (PMID: 31438591). This variant is present in population databases (rs765246909, gnomAD 0.01%). This sequence change replaces arginine, which is basic and polar, with tryptophan, which is neutral and slightly polar, at codon 161 of the B3GAT3 protein (p.Arg161Trp).

Division of Biology and Genetics, University of Brescia
Classification: Pathogenic for Larsen-like syndrome, B3GAT3 type. Review status: criteria provided, single submitter. Criteria: ACMG Guidelines, 2015. Collection method: clinical testing. Allele origin: paternal. Inheritance: Autosomal recessive inheritance. Affected: yes. Observed: 1 compound heterozygote.
Comment: NGS analysis revealed the c.481C>T transition in exon 3, leading to the substitution of a highly conserved and positively charged arginine residue with a larger and neutral tryptophan at position 161 [p.(Arg161Trp)] within the donor substrate binding subdomain of the protein. It was observed in three individuals in GnomAD (rs765246909, 3/251290, no homozygotes, total MAF: C = 0.00001194).

Literature cited by the submitters: PubMed 31438591 (cited by Labcorp Genetics (formerly Invitae), Labcorp and Division of Biology and Genetics, University of Brescia).